The following is an entry in ClinVar:

NM_001040108.2(MLH3):c.623G>A (p.Cys208Tyr)

Gene: MLH3 (mutL homolog 3; minus strand). Cytogenetic location: 14q24.3.
Variant type: single nucleotide variant.
Coding change: c.623G>A on transcript NM_001040108.2 (MANE Select); coding-DNA position 623, G replaced by A.
Protein change: p.Cys208Tyr; replaces cysteine 208 with tyrosine.
Molecular consequence: missense variant.
Genome position (GRCh38, 1-based): chr14:75,049,033, C>T on the plus strand (G>A on the coding strand, the complement: MLH3 is on the minus strand). VCF-style: chr14-75049033-C-T. GRCh37 (hg19) VCF-style: chr14-75515736-C-T.
Other names: c.623G>A, p.Cys208Tyr (NM_014381.3); short protein forms C208Y.
Identifiers: ClinVar variation 544280 (VCV000544280.13), dbSNP rs759892263, ClinGen allele CA7275995.

ClinVar aggregate classification (germline): Uncertain significance. Review status: criteria provided, multiple submitters, no conflicts (2 of 4 stars). 2 submissions from 2 submitters: Uncertain significance (2). Last evaluated 2025-04-18.

Conditions:
Colorectal cancer, hereditary nonpolyposis, type 7. Identifiers: Orphanet 144, MedGen C1858380, MONDO:0013725, OMIM 614385.

Allele frequency attached by ClinVar (database versions not stated): gnomAD 0.00001; gnomAD exomes 0.00001 and 0.00002; ExAC 0.00002; TOPMed 0.00002.
gnomAD v4.1: 37 of 1,614,004 alleles (0.0023%); highest among the groups gnomAD compares: Non-Finnish European, 0.0031%; no homozygotes.

Submissions (2):

Ambry Genetics
Classification: Uncertain significance. Last evaluated: 2025-04-18. Review status: criteria provided, single submitter. Criteria: Ambry Variant Classification Scheme 2023. Collection method: clinical testing. Allele origin: germline.
Comment: The p.C208Y variant (also known as c.623G>A), located in coding exon 1 of the MLH3 gene, results from a G to A substitution at nucleotide position 623. The cysteine at codon 208 is replaced by tyrosine, an amino acid with highly dissimilar properties. This alteration was identified in 1/1358 non-cancer control individuals and in 0/57 cases, in a study looking at cancer predisposition mutations in patients with cutaneous melanoma and a history of at least two additional non-cutaneous melanoma primary cancers (Pritchard AL et al. PLoS One, 2018 Apr;13:e0194098). This amino acid position is not well conserved in available vertebrate species. In addition, this alteration is predicted to be tolerated by in silico analysis. Since supporting evidence is limited at this time, the clinical significance of this alteration remains unclear.

Labcorp Genetics (formerly Invitae), Labcorp
Classification: Uncertain significance for Colorectal cancer, hereditary nonpolyposis, type 7. Last evaluated: 2024-05-31. Review status: criteria provided, single submitter. Criteria: Invitae Variant Classification Sherloc (09022015). Collection method: clinical testing. Allele origin: germline.
Comment: This sequence change replaces cysteine, which is neutral and slightly polar, with tyrosine, which is neutral and polar, at codon 208 of the MLH3 protein (p.Cys208Tyr). This variant is present in population databases (rs759892263, gnomAD 0.002%). This variant has not been reported in the literature in individuals affected with MLH3-related conditions. ClinVar contains an entry for this variant (Variation ID: 544280). An algorithm developed to predict the effect of missense changes on protein structure and function (PolyPhen-2) suggests that this variant is likely to be tolerated. In summary, the available evidence is currently insufficient to determine the role of this variant in disease. Therefore, it has been classified as a Variant of Uncertain Significance.

Literature cited by the submitters: PubMed 29641532 (cited by Ambry Genetics).